The following is an entry in ClinVar:

ClinVar aggregate classification (germline): Likely pathogenic (1 of 4 stars; one submission).

Conditions:
Zinc deficiency, transient neonatal (TNZD). Also called: ZINC DEFICIENCY, NEONATAL, DUE TO LOW BREAST MILK ZINC. Identifiers: MedGen C1842486, MONDO:0011973, OMIM 608118.

Submission:

New York Genome Center
Classification: Likely pathogenic for Zinc deficiency, transient neonatal. Last evaluated: 2023-10-02. Review status: criteria provided, single submitter. Criteria: NYGC Assertion Criteria 2020. Collection method: clinical testing. Allele origin: inherited. Observed: 1 variant allele, 1 heterozygote.
Comment: The inherited heterozygous c.838+2T>C splice-site variant identified in the SLC30A2 gene has not previously been reported in affected individuals in the literature or in the ClinVar database. The variant has 0.00001 allele frequency (6 out of ~586,000 heterozygous alleles, no homozygotes) in population databases (gnomAD v2.1.1 and v3.1.2, TOPMed Freeze 8), suggesting it is not a common benign variant in the populations represented in those databases. The c.838+2T>C variant in SLC30A2 is located in the canonical splice donor site in intron 6 (of 7) and is presumed to result in loss of native splice donor site, which might result in loss-of-function either through protein truncation or nonsense mediated mRNA decay. Based on available evidence, the inherited c.838+2T>C splice-site variant identified in the SLC30A2 gene is classified as Likely Pathogenic,

NM_001004434.3(SLC30A2):c.838+2T>C

Gene: SLC30A2 (solute carrier family 30 member 2; minus strand). Cytogenetic location: 1p36.11.
Variant type: single nucleotide variant.
Coding change: c.838+2T>C on transcript NM_001004434.3 (MANE Select); the canonical splice donor site of the intron after coding-DNA position 838, T replaced by C.
Molecular consequence: splice donor variant.
Genome position (GRCh38, 1-based): chr1:26,041,698, A>G on the plus strand (T>C on the coding strand, the complement: SLC30A2 is on the minus strand). VCF-style: chr1-26041698-A-G. GRCh37 (hg19) VCF-style: chr1-26368189-A-G.
Other names: c.691+2T>C (NM_032513.5); c.838+2T>C (NM_001004434.2).
Identifiers: ClinVar variation 4888406 (VCV004888406.1).